The following is an entry in ClinVar:

NM_032242.4(PLXNA1):c.17G>A (p.Arg6Gln)

Gene: PLXNA1 (plexin A1; plus strand). Cytogenetic location: 3q21.3.
Variant type: single nucleotide variant.
Coding change: c.17G>A on transcript NM_032242.4 (MANE Select); coding-DNA position 17, G replaced by A.
Protein change: p.Arg6Gln; replaces arginine 6 with glutamine.
Molecular consequence: missense variant.
Genome position (GRCh38, 1-based): chr3:126,988,610, G>A. VCF-style: chr3-126988610-G-A. GRCh37 (hg19) VCF-style: chr3-126707453-G-A.
Other names: short protein forms R6Q.
Identifiers: ClinVar variation 2458296 (VCV002458296.4), dbSNP rs760922596, ClinGen allele CA2592876.

ClinVar aggregate classification (germline): Uncertain significance. Review status: criteria provided, single submitter (1 of 4 stars). 2 submissions from 2 submitters: Uncertain significance (1). 1 of the submissions does not count toward it. Last evaluated 2025-12-16.

Conditions:
PLXNA1-related disorder. Also called: PLXNA1-related condition.

Allele frequency attached by ClinVar (database versions not stated): gnomAD 0.00003; TOPMed 0.00003; gnomAD exomes 0.00007; ExAC 0.00016.
gnomAD v4.1: 101 of 1,543,470 alleles (0.0065%); highest among the groups gnomAD compares: East Asian, 0.083%; no homozygotes.

Submissions (2):

Ambry Genetics
Classification: Uncertain significance. Last evaluated: 2025-12-16. Review status: criteria provided, single submitter. Criteria: Ambry Variant Classification Scheme 2023. Collection method: clinical testing. Allele origin: germline.

PreventionGenetics, part of Exact Sciences
Classification: Uncertain significance for PLXNA1-related condition. Last evaluated: 2024-08-09. Review status: no assertion criteria provided. Collection method: clinical testing. Allele origin: germline. Not counted in ClinVar's aggregate classification.
Comment: The PLXNA1 c.17G>A variant is predicted to result in the amino acid substitution p.Arg6Gln. To our knowledge, this variant has not been reported in the literature. This variant is reported in 0.043% of alleles in individuals of East Asian descent in gnomAD. At this time, the clinical significance of this variant is uncertain due to the absence of conclusive functional and genetic evidence.